The following is an entry in ClinVar:

NM_004168.4(SDHA):c.515C>A (p.Ala172Glu)

Gene: SDHA (succinate dehydrogenase complex flavoprotein subunit A; plus strand). Cytogenetic location: 5p15.33.
Variant type: single nucleotide variant.
Coding change: c.515C>A on transcript NM_004168.4 (MANE Select); coding-DNA position 515, C replaced by A.
Protein change: p.Ala172Glu; replaces alanine 172 with glutamic acid.
Molecular consequence: missense variant.
Genome position (GRCh38, 1-based): chr5:225,941, C>A. VCF-style: chr5-225941-C-A. GRCh37 (hg19) VCF-style: chr5-226056-C-A.
Other names: c.371C>A, p.Ala124Glu (NM_001294332.2); c.515C>A, p.Ala172Glu (NM_001330758.2); c.515C>A (NM_004168.2); short protein forms A124E, A172E.
Identifiers: ClinVar variation 1718043 (VCV001718043.8), dbSNP rs1734991593, ClinGen allele CA359010154.

ClinVar aggregate classification (germline): Uncertain significance. Review status: criteria provided, multiple submitters, no conflicts (2 of 4 stars). 2 submissions from 2 submitters: Uncertain significance (2). Last evaluated 2026-06-16.

Conditions:
Hereditary cancer-predisposing syndrome. Also called: Tumor predisposition; Hereditary neoplastic syndrome; Neoplastic Syndromes, Hereditary; Hereditary Cancer Syndrome. Identifiers: Orphanet 140162, MedGen C0027672, MeSH D009386, MONDO:0015356.
Pheochromocytoma/paraganglioma syndrome 5. Also called: Paragangliomas 5; SDHA-Related Hereditary Paraganglioma-Pheochromocytoma Syndrome. Identifiers: Orphanet 29072, MedGen C3279992, MONDO:0013602, OMIM 614165.
Mitochondrial complex II deficiency, nuclear type 1. Also called: SUCCINATE CoQ REDUCTASE DEFICIENCY. Identifiers: Orphanet 3208, MedGen C5700310, MONDO:0100294, OMIM 252011.

Submissions (2):

Ambry Genetics
Classification: Uncertain significance for Hereditary cancer-predisposing syndrome. Last evaluated: 2026-06-16. Review status: criteria provided, single submitter. Criteria: Ambry Variant Classification Scheme 2023. Collection method: clinical testing. Allele origin: germline.
Comment: The p.A172E variant (also known as c.515C>A), located in coding exon 5 of the SDHA gene, results from a C to A substitution at nucleotide position 515. The alanine at codon 172 is replaced by glutamic acid, an amino acid with dissimilar properties. This amino acid position is highly conserved in available vertebrate species. In addition, this alteration is predicted to be deleterious by in silico analysis. Based on the available evidence, the clinical significance of this variant remains unclear.

Labcorp Genetics (formerly Invitae), Labcorp
Classification: Uncertain significance for Pheochromocytoma/paraganglioma syndrome 5; Mitochondrial complex II deficiency, nuclear type 1. Last evaluated: 2023-09-11. Review status: criteria provided, single submitter. Criteria: Invitae Variant Classification Sherloc (09022015). Collection method: clinical testing. Allele origin: germline.
Comment: This sequence change replaces alanine, which is neutral and non-polar, with glutamic acid, which is acidic and polar, at codon 172 of the SDHA protein (p.Ala172Glu). ClinVar contains an entry for this variant (Variation ID: 1718043). Advanced modeling of protein sequence and biophysical properties (such as structural, functional, and spatial information, amino acid conservation, physicochemical variation, residue mobility, and thermodynamic stability) has been performed at Invitae for this missense variant, however the output from this modeling did not meet the statistical confidence thresholds required to predict the impact of this variant on SDHA protein function. This variant has not been reported in the literature in individuals affected with SDHA-related conditions. This variant is not present in population databases (gnomAD no frequency). In summary, the available evidence is currently insufficient to determine the role of this variant in disease. Therefore, it has been classified as a Variant of Uncertain Significance.